The following is an entry in ClinVar:

NM_000260.4(MYO7A):c.2837T>G (p.Met946Arg)

Gene: MYO7A (myosin VIIA; plus strand). Cytogenetic location: 11q13.5.
Variant type: single nucleotide variant.
Coding change: c.2837T>G on transcript NM_000260.4 (MANE Select); coding-DNA position 2837, T replaced by G.
Protein change: p.Met946Arg; replaces methionine 946 with arginine.
Molecular consequence: missense variant.
Genome position (GRCh38, 1-based): chr11:77,181,522, T>G. VCF-style: chr11-77181522-T-G. GRCh37 (hg19) VCF-style: chr11-76892568-T-G.
Other names: c.2837T>G, p.Met946Arg (NM_001127180.2); c.2804T>G, p.Met935Arg (NM_001369365.1); short protein forms M935R, M946R.
Identifiers: ClinVar variation 813430 (VCV000813430.9), dbSNP rs1296612982, ClinGen allele CA381943112.
Genomic context (GRCh38, chr11:77,181,522, plus strand): 5'-TGGAGCAGATGGAAAGGGCCCGCCATGAGCCTGTCAATCACTCAGACATGGTGGACAAGA[T>G]GTTTGGCTTCCTGGGGACTTCAGGTGGCCTGCCAGGCCAGGAGGGCCAGGCACCTAGTGG-3'
Protein context (NP_000251.3, residues 936-956): PVNHSDMVDK[Met946Arg]FGFLGTSGGL

ClinVar aggregate classification (germline): Pathogenic/Likely pathogenic. Review status: criteria provided, multiple submitters, no conflicts (2 of 4 stars). 2 submissions from 2 submitters: Pathogenic (1); Likely pathogenic (1). Last evaluated 2024-01-29.

Conditions:
Usher syndrome type 1 (USH1). Also called: RETINITIS PIGMENTOSA AND CONGENITAL DEAFNESS. Identifiers: Orphanet 231169, Orphanet 886, MedGen C1568247, MONDO:0010168, OMIM 276900.

Allele frequency attached by ClinVar (database versions not stated): TOPMed 0.00001.

Submissions (2):

Labcorp Genetics (formerly Invitae), Labcorp
Classification: Pathogenic. Last evaluated: 2024-01-29. Review status: criteria provided, single submitter. Criteria: Invitae Variant Classification Sherloc (09022015). Collection method: clinical testing. Allele origin: germline.
Comment: This sequence change replaces methionine, which is neutral and non-polar, with arginine, which is basic and polar, at codon 946 of the MYO7A protein (p.Met946Arg). This variant is not present in population databases (gnomAD no frequency). This missense change has been observed in individual(s) with Usher syndrome (PMID: 24831256, 26338283, 29625443). In at least one individual the data is consistent with being in trans (on the opposite chromosome) from a pathogenic variant. It has also been observed to segregate with disease in related individuals. ClinVar contains an entry for this variant (Variation ID: 813430). Advanced modeling of protein sequence and biophysical properties (such as structural, functional, and spatial information, amino acid conservation, physicochemical variation, residue mobility, and thermodynamic stability) performed at Invitae indicates that this missense variant is expected to disrupt MYO7A protein function with a positive predictive value of 80%. Algorithms developed to predict the effect of sequence changes on RNA splicing suggest that this variant may disrupt the consensus splice site. For these reasons, this variant has been classified as Pathogenic.

Baylor Genetics
Classification: Likely pathogenic for Usher syndrome type 1. Review status: criteria provided, single submitter. Criteria: ACMG Guidelines, 2015. Collection method: clinical testing. Allele origin: germline.

Literature cited by the submitters: PubMed 24831256 (cited by Labcorp Genetics (formerly Invitae), Labcorp); PubMed 26338283 (cited by Labcorp Genetics (formerly Invitae), Labcorp); PubMed 29625443 (cited by Labcorp Genetics (formerly Invitae), Labcorp).